The following is an entry in ClinVar:

ClinVar aggregate classification (germline): Uncertain significance. Review status: criteria provided, multiple submitters, no conflicts (2 of 4 stars). 2 submissions from 2 submitters: Uncertain significance (2). Last evaluated 2026-04-14.

Conditions:
Familial intrahepatic cholestasis. Identifiers: Orphanet 284385, MedGen CN296401, MONDO:0017290.

gnomAD v4.1: 13 of 1,605,982 alleles (0.00081%); highest among the groups gnomAD compares: African/African-American, 0.0013%; no homozygotes.

Submissions (2):

Genomenon, Inc
Classification: Uncertain significance for Familial intrahepatic cholestasis. Last evaluated: 2026-04-14. Review status: criteria provided, single submitter. Criteria: Genomenon Sequence Variant Interpretation Standards - Updated. Collection method: curation. Allele origin: germline. Affected: yes.
Comment: ABCB11 p.Arg128Cys (c.382C>T) is a missense variant that changes the amino acid at residue 128 from Arginine to Cysteine. This variant has been observed in at least one proband with an ABCB11-related disorder (PMID:34961929). It is absent or not present at a significant frequency in gnomAD. In silico models predict that this variant is not damaging. In conclusion, we classify ABCB11 p.Arg128Cys (c.382C>T) as a variant of uncertain significance.

Labcorp Genetics (formerly Invitae), Labcorp
Classification: Uncertain significance. Last evaluated: 2025-12-02. Review status: criteria provided, single submitter. Criteria: Invitae Variant Classification Sherloc (09022015). Collection method: clinical testing. Allele origin: germline.
Comment: This sequence change replaces arginine, which is basic and polar, with cysteine, which is neutral and slightly polar, at codon 128 of the ABCB11 protein (p.Arg128Cys). This variant is present in population databases (no rsID available, gnomAD 0.003%). This missense change has been observed in individual(s) with ABCB11-related conditions (PMID: 34961929). Invitae Evidence Modeling of protein sequence and biophysical properties (such as structural, functional, and spatial information, amino acid conservation, physicochemical variation, residue mobility, and thermodynamic stability) indicates that this missense variant is not expected to disrupt ABCB11 protein function with a negative predictive value of 95%. In summary, the available evidence is currently insufficient to determine the role of this variant in disease. Therefore, it has been classified as a Variant of Uncertain Significance.

Literature cited by the submitters: PubMed 34961929 (cited by Genomenon, Inc and Labcorp Genetics (formerly Invitae), Labcorp).

NM_003742.4(ABCB11):c.382C>T (p.Arg128Cys)

Gene: ABCB11 (ATP binding cassette subfamily B member 11; minus strand). Cytogenetic location: 2q31.1.
Variant type: single nucleotide variant.
Coding change: c.382C>T on transcript NM_003742.4 (MANE Select); coding-DNA position 382, C replaced by T.
Protein change: p.Arg128Cys; replaces arginine 128 with cysteine.
Molecular consequence: missense variant.
Genome position (GRCh38, 1-based): chr2:169,013,279, G>A on the plus strand (C>T on the coding strand, the complement: ABCB11 is on the minus strand). VCF-style: chr2-169013279-G-A. GRCh37 (hg19) VCF-style: chr2-169869789-G-A.
Other names: short protein forms R128C.
Identifiers: ClinVar variation 4695086 (VCV004695086.2).